The following is an entry in ClinVar:

ClinVar aggregate classification (germline): Uncertain significance (3 of 4 stars; one submission).

Conditions:
Open-angle glaucoma. Identifiers: MedGen C0017612, MONDO:0005338, HP:0012108.

Submission:

ClinGen Glaucoma Variant Curation Expert Panel
Classification: Uncertain significance for Open-angle glaucoma. Last evaluated: 2026-01-12. Review status: reviewed by expert panel. Criteria: ClinGen Glaucoma ACMG Specifications V2.0.0 Approved. Collection method: curation. Allele origin: germline. Inheritance: Autosomal dominant inheritance.
Comment: The c.1342A>C variant in MYOC is a missense variant predicted to cause substitution of Threonine by Proline at amino acid 448 (p.Thr448Pro). This variant was not found in any genetic ancestry group of gnomAD (v4.1.0), meeting the ≤ 0.0001 threshold set for PM2_Supporting in a genetic ancestry group of at least 10,000 alleles. The REVEL score = 0.649, which was within the 0.644-0.772 range for PP3, predicting a damaging effect on MYOC function. There was no functional evidence predicting a damaging or benign impact of this variant on MYOC function. Only 1 segregation had been reported for primary open angle glaucoma (PMID: 10340788), not meeting the ≥ 3 segregations required for PP1. 3 probands with juvenile or primary open angle glaucoma have been reported carrying this variant (PMIDs: 28564705, 15534471, 10340788), which met PS4_Supporting (≥ 2 probands). In summary, this variant met the criteria to receive a score of 3 and to be classified as a variant of uncertain significance (uncertain significance classification range -1 to 5, adapted from PMID: 32720330) for juvenile open angle glaucoma based on the ACMG/AMP criteria met, as specified by the ClinGen Glaucoma VCEP (v2.0.0, 5 Dec 2024): PP3, PS4_Supporting, PM2_Supporting

NM_000261.2(MYOC):c.1342A>C (p.Thr448Pro)

Gene: MYOC (myocilin; minus strand). Cytogenetic location: 1q24.3.
Variant type: single nucleotide variant.
Coding change: c.1342A>C on transcript NM_000261.2 (MANE Select); coding-DNA position 1342, A replaced by C.
Protein change: p.Thr448Pro; replaces threonine 448 with proline.
Molecular consequence: missense variant.
Genome position (GRCh38, 1-based): chr1:171,636,098, T>G on the plus strand (A>C on the coding strand, the complement: MYOC is on the minus strand). VCF-style: chr1-171636098-T-G. GRCh37 (hg19) VCF-style: chr1-171605238-T-G.
Other names: NM_000261.2:c.1342A>C; short protein forms T448P.
Identifiers: ClinVar variation 2500840 (VCV002500840.1), dbSNP rs1239082043, ClinGen allele CA343723671.
Genomic context (GRCh38, chr1:171,636,098, plus strand): 5'-TGAATGGGATGGTCAGGGTCTTGCTGATACCTGTGCCTGTGTCATAAGCAAAGTTGACGG[T>G]AGCATCTGCTGAGGTGTAGCTGCTGACGGTGTACAAGGTGCCACAGATGATGAAGGCATT-3'
Protein context (NP_000252.1, residues 438-458): TVSSYTSADA[Thr448Pro]VNFAYDTGTG